The following is an entry in ClinVar:

ClinVar aggregate classification (germline): Uncertain significance (1 of 4 stars; one submission).

Submission:

GeneDx
Classification: Uncertain significance. Last evaluated: 2026-04-07. Review status: criteria provided, single submitter. Criteria: GeneDx Variant Classification Process June 2021. Collection method: clinical testing. Allele origin: germline.
Comment: Not observed at significant frequency in large population cohorts (gnomAD); In silico analysis suggests that this missense variant does not alter protein structure/function; Has not been previously published as pathogenic or benign to our knowledge

NM_001127644.2(GABRA1):c.514G>A (p.Asp172Asn)

Gene: GABRA1 (gamma-aminobutyric acid type A receptor subunit alpha1; plus strand). Cytogenetic location: 5q34.
Variant type: single nucleotide variant.
Coding change: c.514G>A on transcript NM_001127644.2 (MANE Select); coding-DNA position 514, G replaced by A.
Protein change: p.Asp172Asn; replaces aspartic acid 172 with asparagine.
Molecular consequence: missense variant.
Genome position (GRCh38, 1-based): chr5:161,875,597, G>A. VCF-style: chr5-161875597-G-A. GRCh37 (hg19) VCF-style: chr5-161302603-G-A.
Other names: c.514G>A, p.Asp172Asn (NM_000806.5, NM_001127643.2, NM_001127645.2 and 1 more transcripts); short protein forms D172N.
Identifiers: ClinVar variation 5036976 (VCV005036976.1).
Genomic context (GRCh38, chr5:161,875,597, plus strand): 5'-TTGTATTCTATGTTTCCCTTAAGGCTGACAGTGAGAGCTGAATGTCCGATGCATTTGGAG[G>A]ACTTCCCTATGGATGCCCATGCTTGCCCACTAAAATTTGGAAGTTGTGAGTAAATTTATA-3'
Protein context (NP_001121116.1, residues 162-182): VRAECPMHLE[Asp172Asn]FPMDAHACPL